The following is an entry in ClinVar:

NM_001754.5(RUNX1):c.*2642A>G

Gene: RUNX1 (RUNX family transcription factor 1; minus strand). Cytogenetic location: 21q22.12.
Variant type: single nucleotide variant.
Coding change: c.*2642A>G on transcript NM_001754.5 (MANE Select); 2642 bases downstream of the stop codon, A replaced by G.
Molecular consequence: 3 prime UTR variant.
Genome position (GRCh38, 1-based): chr21:34,789,493, T>C on the plus strand (A>G on the coding strand, the complement: RUNX1 is on the minus strand). VCF-style: chr21-34789493-T-C. GRCh37 (hg19) VCF-style: chr21-36161790-T-C.
Other names: c.*2642A>G (NM_001754.4, NM_001001890.3).
Identifiers: ClinVar variation 339824 (VCV000339824.6), dbSNP rs112327235, ClinGen allele CA10653555.

ClinVar aggregate classification (germline): Benign. Review status: reviewed by expert panel (3 of 4 stars). 2 submissions from 2 submitters: Benign (1). 1 of the submissions does not count toward it. Last evaluated 2020-05-13.

Conditions:
Hereditary thrombocytopenia and hematologic cancer predisposition syndrome. Identifiers: Orphanet 71290, MedGen CN281654, MONDO:0011071.
Hereditary thrombocytopenia and hematological cancer predisposition syndrome associated with RUNX1. Also called: PLATELET DISORDER, ASPIRIN-LIKE; RUNX1 Familial Platelet Disorder with Associated Myeloid Malignancies; Familial Platelet Disorder with Propensity to Acute Myelogenous Leukemia; Familial thrombocytopenia with propensity to acute myelogenous leukemia. Identifiers: Orphanet 71290, MedGen C1832388, MeSH C563324, MONDO:0100083, OMIM 601399.

Allele frequency attached by ClinVar (database versions not stated): 1000 Genomes Project 0.00479; 1000 Genomes Project 30x 0.00625; TOPMed 0.00853; gnomAD 0.00937 and 0.00961; gnomAD exomes 0.01044.
gnomAD v4.1: 2,284 of 233,696 alleles (0.98%); highest among the groups gnomAD compares: Non-Finnish European, 1.4%; 13 homozygotes.

Submissions (2):

ClinGen Myeloid Malignancy Variant Curation Expert Panel
Classification: Benign for Hereditary thrombocytopenia and hematologic cancer predisposition syndrome. Last evaluated: 2020-05-13. Review status: reviewed by expert panel. Criteria: ClinGen MyeloMalig ACMG Specifications v1. Collection method: curation. Allele origin: germline. Inheritance: Autosomal dominant inheritance.
Comment: The c.*2642A>G variant in the 3' UTR has an MAF of 0.01828 (1.8%, 282/15424 alleles) in the non-Finnish European subpopulation of the gnomAD v2.1.1 cohort and is >= 0.0015 (0.15%) (BA1). This variant is detected in a homozygous state in 9 individuals in the gnomAD v3 population database (BP2). In summary, this variant meets criteria to be classified as benign. ACMG/AMP criteria applied, as specified by the Myeloid Malignancy Variant Curation Expert Panel for RUNX1: BA1, BP2.

Illumina Laboratory Services, Illumina
Classification: Benign for Hereditary thrombocytopenia and hematological cancer predisposition syndrome associated with RUNX1. Last evaluated: 2018-01-13. Review status: criteria provided, single submitter. Criteria: ICSL Variant Classification Criteria 13 December 2019. Collection method: clinical testing. Allele origin: germline. Not counted in ClinVar's aggregate classification.
Comment: This variant was observed in the ICSL laboratory as part of a predisposition screen in an ostensibly healthy population. It had not been previously curated by ICSL or reported in the Human Gene Mutation Database (HGMD: prior to June 1st, 2018), and was therefore a candidate for classification through an automated scoring system. Utilizing variant allele frequency, disease prevalence and penetrance estimates, and inheritance mode, an automated score was calculated to assess if this variant is too frequent to cause the disease. Based on the score and internal cut-off values, a variant classified as benign is not then subjected to further curation. The score for this variant resulted in a classification of benign for this disease.